The following is an entry in ClinVar:

ClinVar aggregate classification (germline): Uncertain significance. Review status: criteria provided, multiple submitters, no conflicts (2 of 4 stars). 2 submissions from 2 submitters: Uncertain significance (2). Last evaluated 2026-06-01.

Conditions:
Congenital myasthenic syndrome (CMS). Also called: Congenital Myasthenic Syndromes. Identifiers: Orphanet 590, MedGen C0751882, MeSH D020294, MONDO:0018940.
Congenital myasthenic syndrome 4C (CMS4C). Also called: Myasthenic syndrome, congenital, associated with acetylcholine receptor deficiency. Identifiers: Orphanet 590, MedGen C1837091, MONDO:0012157, OMIM 608931.

Submissions (2):

Myriad Genetics, Inc.
Classification: Uncertain significance for Congenital myasthenic syndrome. Last evaluated: 2026-06-01. Review status: criteria provided, single submitter. Criteria: Myriad Autosomal Dominant, Autosomal Recessive and X-Linked Classification Criteria (2023). Collection method: clinical testing. Allele origin: unknown.
Comment: NM_000080.3(CHRNE):c.1461C>A(Y487*) is a nonsense variant classified as a variant of uncertain significance in the context of congenital myasthenic syndrome, CHRNE-related. Y487* has not been observed in cases with relevant disease. Relevant functional assessments of this variant are not available in the literature. Y487* has not been observed in referenced population frequency databases. In summary, there is insufficient evidence to classify NM_000080.3(CHRNE):c.1461C>A(Y487*) as pathogenic or benign. Please note: this variant was assessed in the context of healthy population screening.

MGZ Medical Genetics Center
Classification: Uncertain significance for Congenital myasthenic syndrome 4C. Last evaluated: 2022-02-04. Review status: criteria provided, single submitter. Criteria: ACMG Guidelines, 2015. Collection method: clinical testing. Allele origin: germline. Affected: yes. Observed: 1 variant allele.
Comment: ACMG criteria applied: PVS1_MOD, PM2_SUP

NM_000080.4(CHRNE):c.1461C>A (p.Tyr487Ter)

Gene: CHRNE (cholinergic receptor nicotinic epsilon subunit; minus strand). Cytogenetic location: 17p13.2.
Variant type: single nucleotide variant.
Coding change: c.1461C>A on transcript NM_000080.4 (MANE Select); coding-DNA position 1461, C replaced by A.
Protein change: p.Tyr487Ter; replaces tyrosine 487 with a stop codon.
Molecular consequence: nonsense.
Genome position (GRCh38, 1-based): chr17:4,898,757, G>T on the plus strand (C>A on the coding strand, the complement: CHRNE is on the minus strand). VCF-style: chr17-4898757-G-T. GRCh37 (hg19) VCF-style: chr17-4802052-G-T.
Other names: short protein forms Y487*.
Identifiers: ClinVar variation 1709193 (VCV001709193.3), dbSNP rs373293781, ClinGen allele CA397297234.
Genomic context (GRCh38, chr17:4,898,757, plus strand): 5'-TCCTACTGGAGATGGGTGGGAAATTGAAGTCGGTGCGAGCTAAGGCTGGATACACGGCGC[G>T]TAGGGGAGATCAGGCACTCGGTTGAAGTAGGCCCCGAGGAAGATGAGGCTGGAGCCCACG-3'